The following is an entry in ClinVar:

ClinVar aggregate classification (germline): Benign (0 of 4 stars; one submission).

Conditions:
PRRC2A-related disorder. Also called: PRRC2A-related condition.

Allele frequency attached by ClinVar (database versions not stated): ESP Exome Variant Server 0.00557; gnomAD 0.00598; TOPMed 0.00639; ExAC 0.00696; 1000 Genomes Project 0.00978; 1000 Genomes Project 30x 0.00984.
gnomAD v4.1: 7,632 of 1,612,392 alleles (0.47%); highest among the groups gnomAD compares: East Asian, 1.5%; 43 homozygotes.

Submission:

PreventionGenetics, part of Exact Sciences
Classification: Benign for PRRC2A-related condition. Last evaluated: 2019-05-01. Review status: no assertion criteria provided. Collection method: clinical testing. Allele origin: germline.
Comment: This variant is classified as benign based on ACMG/AMP sequence variant interpretation guidelines (Richards et al. 2015 PMID: 25741868, with internal and published modifications).

NM_004638.4(PRRC2A):c.1544C>T (p.Pro515Leu)

Gene: PRRC2A (proline rich coiled-coil 2A; plus strand). Cytogenetic location: 6p21.33.
Variant type: single nucleotide variant.
Coding change: c.1544C>T on transcript NM_004638.4 (MANE Select); coding-DNA position 1544, C replaced by T.
Protein change: p.Pro515Leu; replaces proline 515 with leucine.
Molecular consequence: missense variant.
Genome position (GRCh38, 1-based): chr6:31,628,018, C>T. VCF-style: chr6-31628018-C-T. GRCh37 (hg19) VCF-style: chr6-31595795-C-T.
Other names: c.1544C>T, p.Pro515Leu (NM_080686.3); short protein forms P515L.
Identifiers: ClinVar variation 3055620 (VCV003055620.2), dbSNP rs9469031, ClinGen allele CA3715424.